The following is an entry in ClinVar:

NM_007129.5(ZIC2):c.1377_1391del (p.Ala466_Ala470del)

Genes: ZIC2 (Zic family zinc finger 2; plus strand), LOC110008580 (Zic family member 2 polyalanine repeat instability region; plus strand). Cytogenetic location: 13q32.3.
Variant type: Deletion.
Coding change: c.1377_1391del on transcript NM_007129.5 (MANE Select); coding-DNA positions 1377 to 1391, 15 bases deleted (AGCGGCGGCGGCGGC).
Protein change: p.Ala466_Ala470del.
Molecular consequence: inframe deletion.
Genome position (GRCh38, 1-based): chr13:99,985,460-99,985,474, AGCGGCGGCGGCGGC deleted; deleting any 15 consecutive bases within chr13:99,985,449-99,985,474 gives the same sequence; the c. name uses the placement nearest the transcript's 3' end. VCF-style (leftmost placement, unchanged base first): chr13-99985448-AGCGGCGGCGGCAGCG-A. GRCh37 (hg19) VCF-style: chr13-100637702-AGCGGCGGCGGCAGCG-A.
Identifiers: ClinVar variation 1414615 (VCV001414615.8), dbSNP rs752851904, ClinGen allele CA7032971.

ClinVar aggregate classification (germline): Uncertain significance (1 of 4 stars; one submission).

Conditions:
Holoprosencephaly 5 (HPE5). Identifiers: Orphanet 2162, MedGen C1864827, MONDO:0012322, OMIM 609637.

Submission:

Labcorp Genetics (formerly Invitae), Labcorp
Classification: Uncertain significance for Holoprosencephaly 5. Last evaluated: 2025-10-01. Review status: criteria provided, single submitter. Criteria: Invitae Variant Classification Sherloc (09022015). Collection method: clinical testing. Allele origin: germline.
Comment: This variant, c.1377_1391del, results in the deletion of 5 amino acid(s) of the ZIC2 protein (p.Ala466_Ala470del), but otherwise preserves the integrity of the reading frame. The frequency data for this variant in the population databases is considered unreliable, as metrics indicate poor data quality at this position in the gnomAD database. This variant has been observed in individual(s) with clinical features of holoprosencephaly (PMID: 19177455, 22847929, 32022405). This variant is also known as c.1366_1380del and c.1392_1406del. ClinVar contains an entry for this variant (Variation ID: 1414615). Experimental studies and prediction algorithms are not available or were not evaluated, and the functional significance of this variant is currently unknown. In summary, the available evidence is currently insufficient to determine the role of this variant in disease. Therefore, it has been classified as a Variant of Uncertain Significance.

Literature cited by the submitters: PubMed 19177455; PubMed 22847929; PubMed 32022405.